The following is an entry in ClinVar:

NM_006121.4(KRT1):c.1434G>T (p.Glu478Asp)

Gene: KRT1 (keratin 1; minus strand). Cytogenetic location: 12q13.13.
Variant type: single nucleotide variant.
Coding change: c.1434G>T on transcript NM_006121.4 (MANE Select); coding-DNA position 1434, G replaced by T.
Protein change: p.Glu478Asp; replaces glutamic acid 478 with aspartic acid.
Molecular consequence: missense variant.
Genome position (GRCh38, 1-based): chr12:52,676,316, C>A on the plus strand (G>T on the coding strand, the complement: KRT1 is on the minus strand). VCF-style: chr12-52676316-C-A. GRCh37 (hg19) VCF-style: chr12-53070100-C-A.
Other names: short protein forms E478D.
Identifiers: ClinVar variation 66627 (VCV000066627.2), dbSNP rs58949162, ClinGen allele CA217422.

ClinVar aggregate classification (germline): Pathogenic. Review status: criteria provided, single submitter (1 of 4 stars). 2 submissions from 2 submitters: Pathogenic (1). 1 of the submissions does not count toward it. Last evaluated 2023-07-09.

Submissions (2):

GeneDx
Classification: Pathogenic. Last evaluated: 2023-07-09. Review status: criteria provided, single submitter. Criteria: GeneDx Variant Classification Process June 2021. Collection method: clinical testing. Allele origin: germline. Affected: yes.
Comment: In vitro keratin filament assembly experiments demonstrated that E478D retains some ability to form residual filaments, which may be linked to the milder phenotype of this variant resembling superficial epidermolytic ichthyosis (formerly ichthyosis bullosa of Siemens) (Yang et al., 1999); Located in the highly conserved helix termination motif of the alpha-helical rod domain, which is intolerant to change; variants in this motif interfere with proper keratin intermediate filament assembly and function, resulting in skin fragility and/or hyperkeratosis (Chamcheu et al., 2011; Arin et al., 2011; Mirza et al. 2015); Not observed at significant frequency in large population cohorts (gnomAD); In silico analysis supports that this missense variant has a deleterious effect on protein structure/function; This variant is associated with the following publications: (PMID: 21176769, 21271994, 26176760, 10084317, 17970808, 23623204, 27421141, 26582918, 24077912)

Epithelial Biology;  Institute of Medical Biology, Singapore
No classification provided. Review status: no classification provided. Collection method: not provided. Allele origin: not provided. Not counted in ClinVar's aggregate classification.